The following is an entry in ClinVar:

NM_001184.4(ATR):c.4289G>C (p.Cys1430Ser)

Gene: ATR (ATR checkpoint kinase; minus strand). Cytogenetic location: 3q23.
Variant type: single nucleotide variant.
Coding change: c.4289G>C on transcript NM_001184.4 (MANE Select); coding-DNA position 4289, G replaced by C.
Protein change: p.Cys1430Ser; replaces cysteine 1430 with serine.
Molecular consequence: missense variant.
Genome position (GRCh38, 1-based): chr3:142,519,762, C>G on the plus strand (G>C on the coding strand, the complement: ATR is on the minus strand). VCF-style: chr3-142519762-C-G. GRCh37 (hg19) VCF-style: chr3-142238604-C-G.
Other names: c.4097G>C, p.Cys1366Ser (NM_001354579.2); short protein forms C1366S, C1430S.
Identifiers: ClinVar variation 3221158 (VCV003221158.1), dbSNP rs1577620270, ClinGen allele CA354800381.

ClinVar aggregate classification (germline): Uncertain significance (1 of 4 stars; one submission).

Conditions:
Inborn genetic diseases. Identifiers: MedGen C0950123, MeSH D030342.

Submission:

Ambry Genetics
Classification: Uncertain significance for Inborn genetic diseases. Last evaluated: 2023-10-13. Review status: criteria provided, single submitter. Criteria: Ambry Variant Classification Scheme 2023. Collection method: clinical testing. Allele origin: germline.
Comment: The p.C1430S variant (also known as c.4289G>C), located in coding exon 24 of the ATR gene, results from a G to C substitution at nucleotide position 4289. The cysteine at codon 1430 is replaced by serine, an amino acid with dissimilar properties. This amino acid position is conserved. In addition, the in silico prediction for this alteration is inconclusive. Since supporting evidence is limited at this time, the clinical significance of this alteration remains unclear.